The following is an entry in ClinVar:

NM_000393.5(COL5A2):c.798+5G>A

Gene: COL5A2 (collagen type V alpha 2 chain; minus strand). Cytogenetic location: 2q32.2.
Variant type: single nucleotide variant.
Coding change: c.798+5G>A on transcript NM_000393.5 (MANE Select); 5 bases into the intron after coding-DNA position 798, G replaced by A.
Molecular consequence: intron variant.
Genome position (GRCh38, 1-based): chr2:189,085,155, C>T on the plus strand (G>A on the coding strand, the complement: COL5A2 is on the minus strand). VCF-style: chr2-189085155-C-T. GRCh37 (hg19) VCF-style: chr2-189949881-C-T.
Identifiers: ClinVar variation 487466 (VCV000487466.8), dbSNP rs1296613540, ClinGen allele CA658657190.

ClinVar aggregate classification (germline): Uncertain significance. Review status: criteria provided, multiple submitters, no conflicts (2 of 4 stars). 4 submissions from 3 submitters: Uncertain significance (4). Last evaluated 2025-10-29.

Conditions:
Ehlers-Danlos syndrome, classic type (cEDS). Identifiers: Orphanet 287, MedGen C4225429, MONDO:0007522.
Ehlers-Danlos syndrome, classic type, 1 (EDSCL1). Also called: EHLERS-DANLOS SYNDROME, GRAVIS TYPE; EHLERS-DANLOS SYNDROME, SEVERE CLASSIC TYPE; EDS I; Ehlers-Danlos Syndrome, Classic Type, COL5A1-Related; Ehlers-Danlos syndrome, type 1. Identifiers: MedGen C0268335, MONDO:0019567, OMIM 130000.
Familial thoracic aortic aneurysm and aortic dissection (TAAD). Also called: Thoracic aortic aneurysms and dissections. Identifiers: Orphanet 91387, MedGen C4707243, MONDO:0019625.
Ehlers-Danlos syndrome, classic type, 2 (EDSCL2). Also called: Ehlers-Danlos syndrome type 2 (formerly); Ehlers-Danlos Syndrome, Classic Type, COL5A2-Related; Ehlers-Danlos syndrome, type 2. Identifiers: Orphanet 287, Orphanet 90318, MedGen C0268336, MONDO:0019568, OMIM 130010.

Allele frequency attached by ClinVar (database versions not stated): TOPMed 0.00001; gnomAD exomes below 0.00001; gnomAD 0.00001.
gnomAD v4.1: 6 of 1,611,182 alleles (0.00037%); highest among the groups gnomAD compares: Non-Finnish European, 0.00051%; no homozygotes.

Submissions (4):

Labcorp Genetics (formerly Invitae), Labcorp
Classification: Uncertain significance for Ehlers-Danlos syndrome, classic type, 1. Last evaluated: 2025-10-29. Review status: criteria provided, single submitter. Criteria: Invitae Variant Classification Sherloc (09022015). Collection method: clinical testing. Allele origin: germline.
Comment: This sequence change falls in intron 11 of the COL5A2 gene. It does not directly change the encoded amino acid sequence of the COL5A2 protein. It affects a nucleotide within the consensus splice site. This variant is not present in population databases (gnomAD no frequency). This variant has not been reported in the literature in individuals affected with COL5A2-related conditions. ClinVar contains an entry for this variant (Variation ID: 487466). Variants that disrupt the consensus splice site are a relatively common cause of aberrant splicing (PMID: 17576681, 9536098). Algorithms developed to predict the effect of sequence changes on RNA splicing suggest that this variant may disrupt the consensus splice site. In summary, the available evidence is currently insufficient to determine the role of this variant in disease. Therefore, it has been classified as a Variant of Uncertain Significance.

Center for Genomics, Ann and Robert H. Lurie Children's Hospital of Chicago
Classification: Uncertain significance for Ehlers-Danlos syndrome, classic type, 2. Last evaluated: 2021-03-30. Review status: criteria provided, single submitter. Criteria: ACMG Guidelines, 2015. Collection method: clinical testing. Allele origin: germline.
Comment: COL5A2 NM_000393.3 (c.798+5G>A): This variant has not been reported in the literature and is not present in large control databases. The identified variant is an intronic variant and no predicted change in the amino acid sequence but may have an unknown effect on splicing. Further studies are needed to understand its impact. In summary, data on this variant is insufficient for disease classification. Therefore, the clinical significance of this variant is uncertain.

Ambry Genetics
Classification: Uncertain significance for Familial thoracic aortic aneurysm and aortic dissection. Last evaluated: 2020-09-15. Review status: criteria provided, single submitter. Criteria: Ambry Variant Classification Scheme 2023. Collection method: clinical testing. Allele origin: germline.
Comment: The c.798+5G>A intronic variant results from a G to A substitution 5 nucleotides after coding exon 11 in the COL5A2 gene. This nucleotide position is highly conserved in available vertebrate species. In silico splice site analysis predicts that this alteration will weaken the native splice donor site and may result in the creation or strengthening of a novel splice donor site. Since supporting evidence is limited at this time, the clinical significance of this alteration remains unclear.

Center for Genomics, Ann and Robert H. Lurie Children's Hospital of Chicago
Classification: Uncertain significance for Ehlers-Danlos syndrome, classic type, 1. Last evaluated: 2017-08-01. Review status: criteria provided, single submitter. Criteria: ACMG Guidelines, 2015. Collection method: clinical testing. Allele origin: germline.
Comment: the same text as in the submission from Center for Genomics, Ann and Robert H. Lurie Children's Hospital of Chicago above.

Literature cited by the submitters: PubMed 17576681 (cited by Labcorp Genetics (formerly Invitae), Labcorp); PubMed 9536098 (cited by Labcorp Genetics (formerly Invitae), Labcorp).